The following is an entry in ClinVar:

ClinVar aggregate classification (germline): Uncertain significance. Review status: criteria provided, multiple submitters, no conflicts (2 of 4 stars). 2 submissions from 2 submitters: Uncertain significance (2). Last evaluated 2025-12-03.

Conditions:
Inborn genetic diseases. Identifiers: MedGen C0950123, MeSH D030342.
Neuropathy, hereditary motor and sensory, type 6B (HMSN6B). Also called: HMSN VIB; CHARCOT-MARIE-TOOTH DISEASE, TYPE 6B; NEUROPATHY, HEREDITARY MOTOR AND SENSORY, TYPE VIB, WITH OPTIC ATROPHY; Neuropathy, hereditary motor and sensory, type VIB. Identifiers: MedGen C4225302, MONDO:0014671, OMIM 616505.

Allele frequency attached by ClinVar (database versions not stated): gnomAD 0.00009 and 0.00012; gnomAD exomes 0.00004 and 0.00001; ExAC 0.00005; TOPMed 0.00009; ESP Exome Variant Server 0.00038.
gnomAD v4.1: 26 of 1,613,608 alleles (0.0016%); highest among the groups gnomAD compares: African/African-American, 0.029%; no homozygotes.

Submissions (2):

Ambry Genetics
Classification: Uncertain significance for Inborn genetic diseases. Last evaluated: 2025-12-03. Review status: criteria provided, single submitter. Criteria: Ambry Variant Classification Scheme 2023. Collection method: clinical testing. Allele origin: germline.

Labcorp Genetics (formerly Invitae), Labcorp
Classification: Uncertain significance for Neuropathy, hereditary motor and sensory, type 6B. Last evaluated: 2024-11-11. Review status: criteria provided, single submitter. Criteria: Invitae Variant Classification Sherloc (09022015). Collection method: clinical testing. Allele origin: germline.
Comment: This sequence change replaces leucine, which is neutral and non-polar, with valine, which is neutral and non-polar, at codon 355 of the SLC25A46 protein (p.Leu355Val). This variant is present in population databases (rs139534651, gnomAD 0.04%). This variant has not been reported in the literature in individuals affected with SLC25A46-related conditions. ClinVar contains an entry for this variant (Variation ID: 655429). Invitae Evidence Modeling of protein sequence and biophysical properties (such as structural, functional, and spatial information, amino acid conservation, physicochemical variation, residue mobility, and thermodynamic stability) indicates that this missense variant is not expected to disrupt SLC25A46 protein function with a negative predictive value of 80%. In summary, the available evidence is currently insufficient to determine the role of this variant in disease. Therefore, it has been classified as a Variant of Uncertain Significance.

NM_138773.4(SLC25A46):c.1063C>G (p.Leu355Val)

Gene: SLC25A46 (solute carrier family 25 member 46; plus strand). Cytogenetic location: 5q22.1.
Variant type: single nucleotide variant.
Coding change: c.1063C>G on transcript NM_138773.4 (MANE Select); coding-DNA position 1063, C replaced by G.
Protein change: p.Leu355Val; replaces leucine 355 with valine.
Molecular consequence: missense variant. On other transcripts: non-coding transcript variant (1).
Genome position (GRCh38, 1-based): chr5:110,761,588, C>G. VCF-style: chr5-110761588-C-G. GRCh37 (hg19) VCF-style: chr5-110097288-C-G.
Other names: c.1063C>G (NM_138773.1); c.820C>G, p.Leu274Val (NM_001303249.3); c.790C>G, p.Leu264Val (NM_001303250.3); short protein forms L274V, L264V, L355V.
Identifiers: ClinVar variation 655429 (VCV000655429.11), dbSNP rs139534651, ClinGen allele CA3364806.